The following is an entry in ClinVar:

NM_006737.4(KIR3DL2):c.1020T>C (p.His340=)

Gene: KIR3DL2 (killer cell immunoglobulin like receptor, three Ig domains and long cytoplasmic tail 2). Cytogenetic location: 19q13.42.
Variant type: single nucleotide variant.
Coding change: c.1020T>C on transcript NM_006737.4 (MANE Select); coding-DNA position 1020, T replaced by C.
Protein change: p.His340=; no amino-acid change (histidine 340 retained).
Molecular consequence: synonymous variant.
Genome position (GRCh38, 1-based): chr19:54,865,824, T>C. VCF-style: chr19-54865824-T-C. GRCh37 (hg19) VCF-style: chr19-55377279-T-C.
Other names: c.969T>C, p.His323= (NM_001242867.2).
Identifiers: ClinVar variation 2650494 (VCV002650494.24), dbSNP rs779666933, ClinGen allele CA309955580.

ClinVar aggregate classification (germline): Likely benign (1 of 4 stars; one submission).

Submission:

CeGaT Center for Human Genetics Tuebingen
Classification: Likely benign. Last evaluated: 2023-08-01. Review status: criteria provided, single submitter. Criteria: CeGaT Center For Human Genetics Tuebingen Variant Classification Criteria Version 2. Collection method: clinical testing. Allele origin: germline. Affected: yes. Observed: 1 variant allele.
Comment: KIR3DL2: BP4, BP7